The following is an entry in ClinVar:

ClinVar aggregate classification (germline): Pathogenic (1 of 4 stars; one submission).

Conditions:
Autosomal recessive nonsyndromic hearing loss 63. Identifiers: Orphanet 90636, MedGen C1969621, MONDO:0012670, OMIM 611451.

Submission:

3billion
Classification: Pathogenic for Autosomal recessive nonsyndromic hearing loss 63. Last evaluated: 2022-05-22. Review status: criteria provided, single submitter. Criteria: ACMG Guidelines, 2015. Collection method: clinical testing. Allele origin: germline. Affected: yes. Observed: 1 homozygote.
Comment: The variant is observed at an extremely low frequency in the gnomAD v2.1.1 dataset (total allele frequency: <0.001%). Frameshift: predicted to result in a loss or disruption of normal protein function through nonsense-mediated decay (NMD) or protein truncation. Multiple pathogenic variants are reported downstream of the variant. Therefore, this variant is classified as pathogenic according to the recommendation of ACMG/AMP guideline.

NM_145309.6(LRRC51):c.340_346del (p.Ile114fs)

Genes: LRRC51 (leucine rich repeat containing 51; plus strand), LRTOMT (leucine rich transmembrane and O-methyltransferase domain containing; plus strand). Cytogenetic location: 11q13.4.
Variant type: Deletion.
Coding change: c.340_346del on transcript NM_145309.6 (MANE Select); coding-DNA positions 340 to 346, 7 bases deleted (ATCCAGC; older notation c.340_346delATCCAGC).
Protein change: p.Ile114fs; shifts the reading frame from isoleucine 114.
Molecular consequence: frameshift variant. On other transcripts: non-coding transcript variant (2), 5 prime UTR variant (3).
Genome position (GRCh38, 1-based): chr11:72,094,999-72,095,005, ATCCAGC deleted; deleting any 7 consecutive bases within chr11:72,094,995-72,095,005 gives the same sequence; the c. name uses the placement nearest the transcript's 3' end. VCF-style (leftmost placement, unchanged base first): chr11-72094994-ACAGCATC-A. GRCh37 (hg19) VCF-style: chr11-71806040-ACAGCATC-A.
Other names: c.340_346del, p.Ile114fs (NM_001145307.5, NM_001271471.3, NM_001318803.2); c.286_292del, p.Ile96fs (NM_001205138.4); c.-64_-58del (NM_001145308.5, NM_001145309.4, NM_001145310.4); short protein forms I114fs, I96fs.
Identifiers: ClinVar variation 1687602 (VCV001687602.1), dbSNP rs759544282, ClinGen allele CA6168219.